The following is an entry in ClinVar:

ClinVar aggregate classification (germline): Uncertain significance. Review status: criteria provided, multiple submitters, no conflicts (2 of 4 stars). 3 submissions from 3 submitters: Uncertain significance (2). 1 of the submissions does not count toward it. Last evaluated 2024-10-16.

Conditions:
Donnai-Barrow syndrome. Also called: DBS/FOAR SYNDROME; FACIOOCULOACOUSTICORENAL SYNDROME. Identifiers: Orphanet 2143, MedGen C1857277, MONDO:0009104, OMIM 222448.

Allele frequency attached by ClinVar (database versions not stated): ExAC 0.00004; gnomAD 0.00006; gnomAD exomes 0.00006 and 0.00013; TOPMed 0.00007; ESP Exome Variant Server 0.00008.
gnomAD v4.1: 200 of 1,613,684 alleles (0.012%); highest among the groups gnomAD compares: Non-Finnish European, 0.015%; no homozygotes.

Submissions (3):

Labcorp Genetics (formerly Invitae), Labcorp
Classification: Uncertain significance. Last evaluated: 2024-10-16. Review status: criteria provided, single submitter. Criteria: Invitae Variant Classification Sherloc (09022015). Collection method: clinical testing. Allele origin: germline.
Comment: This sequence change replaces arginine, which is basic and polar, with histidine, which is basic and polar, at codon 2217 of the LRP2 protein (p.Arg2217His). This variant is present in population databases (rs369240219, gnomAD 0.009%). This variant has not been reported in the literature in individuals affected with LRP2-related conditions. ClinVar contains an entry for this variant (Variation ID: 1049080). Invitae Evidence Modeling of protein sequence and biophysical properties (such as structural, functional, and spatial information, amino acid conservation, physicochemical variation, residue mobility, and thermodynamic stability) indicates that this missense variant is expected to disrupt LRP2 protein function with a positive predictive value of 95%. In summary, the available evidence is currently insufficient to determine the role of this variant in disease. Therefore, it has been classified as a Variant of Uncertain Significance.

Fulgent Genetics
Classification: Uncertain significance for Donnai-Barrow syndrome. Last evaluated: 2022-02-13. Review status: criteria provided, single submitter. Criteria: ACMG Guidelines, 2015. Collection method: clinical testing. Allele origin: unknown.

Department of Pathology and Laboratory Medicine, Sinai Health System
Classification: Uncertain significance. Review status: no assertion criteria provided. Collection method: clinical testing. Allele origin: unknown. Affected: yes. Study: The Canadian Open Genetics Repository (COGR). Not counted in ClinVar's aggregate classification.
Comment: The LRP2 p.Arg2217His variant was not identified in the literature nor was it identified in ClinVar. The variant was identified in dbSNP (ID: rs369240219) and in control databases in 14 of 251006 chromosomes at a frequency of 0.00005578 (Genome Aggregation Database March 6, 2019, v2.1.1). The variant was observed in the following populations: Other in 1 of 6114 chromosomes (freq: 0.000164), European (non-Finnish) in 11 of 113534 chromosomes (freq: 0.000097) and Latino in 2 of 34526 chromosomes (freq: 0.000058), but was not observed in the African, Ashkenazi Jewish, East Asian, European (Finnish), or South Asian populations. The p.Arg2217 residue is conserved in mammals and computational analyses (PolyPhen-2, SIFT, AlignGVGD, BLOSUM, MutationTaster) provide inconsistent predictions regarding the impact to the protein; this information is not very predictive of pathogenicity. The variant occurs outside of the splicing consensus sequence and in silico or computational prediction software programs (SpliceSiteFinder, MaxEntScan, NNSPLICE, GeneSplicer) do not predict a difference in splicing. In summary, based on the above information the clinical significance of this variant cannot be determined with certainty at this time. This variant is classified as a variant of uncertain significance.

NM_004525.3(LRP2):c.6650G>A (p.Arg2217His)

Gene: LRP2 (LDL receptor related protein 2; minus strand). Cytogenetic location: 2q31.1.
Variant type: single nucleotide variant.
Coding change: c.6650G>A on transcript NM_004525.3 (MANE Select); coding-DNA position 6650, G replaced by A.
Protein change: p.Arg2217His; replaces arginine 2217 with histidine.
Molecular consequence: missense variant.
Genome position (GRCh38, 1-based): chr2:169,207,070, C>T on the plus strand (G>A on the coding strand, the complement: LRP2 is on the minus strand). VCF-style: chr2-169207070-C-T. GRCh37 (hg19) VCF-style: chr2-170063580-C-T.
Other names: short protein forms R2217H.
Identifiers: ClinVar variation 1049080 (VCV001049080.6), dbSNP rs369240219, ClinGen allele CA1954242.